The following is an entry in ClinVar:

ClinVar aggregate classification (germline): Uncertain significance (1 of 4 stars; one submission).

gnomAD v4.1: 16 of 1,613,712 alleles (0.00099%); highest among the groups gnomAD compares: African/African-American, 0.004%; no homozygotes.

Submission:

Labcorp Genetics (formerly Invitae), Labcorp
Classification: Uncertain significance. Last evaluated: 2024-05-18. Review status: criteria provided, single submitter. Criteria: Invitae Variant Classification Sherloc (09022015). Collection method: clinical testing. Allele origin: germline.
Comment: This sequence change replaces arginine, which is basic and polar, with histidine, which is basic and polar, at codon 633 of the ACO2 protein (p.Arg633His). This variant is not present in population databases (gnomAD no frequency). This missense change has been observed in individual(s) with clinical features of autosomal dominant ACO2-related conditions (PMID: 34056600). Advanced modeling of protein sequence and biophysical properties (such as structural, functional, and spatial information, amino acid conservation, physicochemical variation, residue mobility, and thermodynamic stability) performed at Invitae indicates that this missense variant is not expected to disrupt ACO2 protein function with a negative predictive value of 80%. In summary, the available evidence is currently insufficient to determine the role of this variant in disease. Therefore, it has been classified as a Variant of Uncertain Significance.

Literature cited by the submitters: PubMed 34056600.

NM_001098.3(ACO2):c.1898G>A (p.Arg633His)

Genes: ACO2 (aconitase 2; plus strand), POLR3H (RNA polymerase III subunit H; minus strand). Cytogenetic location: 22q13.2.
Variant type: single nucleotide variant.
Coding change: c.1898G>A on transcript NM_001098.3 (MANE Select); coding-DNA position 1898, G replaced by A.
Protein change: p.Arg633His; replaces arginine 633 with histidine.
Molecular consequence: missense variant. On other transcripts: 3 prime UTR variant (5).
Genome position (GRCh38, 1-based): chr22:41,526,398, G>A. VCF-style: chr22-41526398-G-A. GRCh37 (hg19) VCF-style: chr22-41922402-G-A.
Other names: c.*2885C>T (NM_001018050.4, NM_001018052.4, NM_001282884.2 and 2 more transcripts); short protein forms R633H.
Identifiers: ClinVar variation 3677194 (VCV003677194.2).